The following is an entry in ClinVar:

ClinVar aggregate classification (germline): Uncertain significance. Review status: criteria provided, multiple submitters, no conflicts (2 of 4 stars). 2 submissions from 2 submitters: Uncertain significance (2). Last evaluated 2020-06-03.

Conditions:
Mitochondrial complex 5 (ATP synthase) deficiency, nuclear type 6. Also called: MITOCHONDRIAL COMPLEX V (ATP SYNTHASE) DEFICIENCY, NUCLEAR TYPE 6. Identifiers: MedGen C5231461, MONDO:0032869, OMIM 618683.

Allele frequency attached by ClinVar (database versions not stated): gnomAD 0.00009; TOPMed 0.00014; ExAC 0.00015; gnomAD exomes 0.00016.
gnomAD v4.1: 192 of 1,607,898 alleles (0.012%); highest among the groups gnomAD compares: Middle Eastern, 0.25%; 3 homozygotes.

Submissions (2):

Baylor Genetics
Classification: Uncertain significance for Mitochondrial complex 5 (ATP synthase) deficiency, nuclear type 6. Last evaluated: 2020-06-03. Review status: criteria provided, single submitter. Criteria: ACMG Guidelines, 2015. Collection method: clinical testing. Allele origin: unknown. Affected: yes.
Comment: This variant was determined to be of uncertain significance according to ACMG Guidelines, 2015 [PMID:25741868].

Breakthrough Genomics
Classification: Uncertain significance. Review status: criteria provided, single submitter. Criteria: ACMG Guidelines, 2015. Collection method: not provided. Allele origin: germline. Inheritance: Autosomal recessive inheritance. Affected: yes.

NM_001206427.2(ATP5MK):c.59A>G (p.Asn20Ser)

Gene: ATP5MK (ATP synthase membrane subunit k; minus strand). Cytogenetic location: 10q24.33.
Variant type: single nucleotide variant.
Coding change: c.59A>G on transcript NM_001206427.2 (MANE Select); coding-DNA position 59, A replaced by G.
Protein change: p.Asn20Ser; replaces asparagine 20 with serine.
Molecular consequence: missense variant.
Genome position (GRCh38, 1-based): chr10:103,392,399, T>C on the plus strand (A>G on the coding strand, the complement: ATP5MK is on the minus strand). VCF-style: chr10-103392399-T-C. GRCh37 (hg19) VCF-style: chr10-105152156-T-C.
Other names: c.59A>G, p.Asn20Ser (NM_001206426.2, NM_032747.4); short protein forms N20S.
Identifiers: ClinVar variation 1030054 (VCV001030054.2), dbSNP rs140938014, ClinGen allele CA5672500.